The following is an entry in ClinVar:

ClinVar aggregate classification (germline): Uncertain significance (1 of 4 stars; one submission).

Conditions:
Developmental and epileptic encephalopathy 112. Identifiers: MedGen C5882700, MONDO:0957812, OMIM 620537.

Submission:

Victorian Clinical Genetics Services, Murdoch Childrens Research Institute
Classification: Uncertain significance for Developmental and epileptic encephalopathy 112. Last evaluated: 2024-10-09. Review status: criteria provided, single submitter. Criteria: ACMG Guidelines, 2015. Collection method: clinical testing. Allele origin: germline. Affected: yes.
Comment: This variant is classified as VUS-3B. Evidence in support of pathogenic classification: Variant is absent from gnomAD (v2, v3 and v4); Missense variant predicted to be damaging by an in silico tool or highly conserved with a major amino acid change. Additional information: Variant is predicted to result in a missense amino acid change from isoleucine to threonine; This variant is heterozygous; This gene is associated with autosomal dominant disease; An alternative amino acid change at the same position has been observed in gnomAD (v4: 1 heterozygote(s), 0 homozygote(s)); This variant has no previous evidence of pathogenicity; No published segregation evidence has been identified for this variant; No published functional evidence has been identified for this variant; No comparable missense variants have previous evidence for pathogenicity; Variant is located in the annotated ion transport protein domain (DECIPHER); The mechanism of disease for this gene is not clearly established. Gain of function is postulated as a likely mechanism of disease, with patch clamp assays demonstrating a recurring missense variant destabilises the closed channel state, instead favouring channel opening (PMID: 24133262); Variants in this gene are known to have variable expressivity. Severity of the associated condition has been reported as highly variable and determined by variant location (PMID: 36307226) - Inheritance information for this variant is not currently available in this individual.

Literature cited by the submitters: PubMed 24133262; PubMed 36307226.

NM_139318.5(KCNH5):c.1313T>C (p.Ile438Thr)

Gene: KCNH5 (potassium voltage-gated channel subfamily H member 5; minus strand). Cytogenetic location: 14q23.2.
Variant type: single nucleotide variant.
Coding change: c.1313T>C on transcript NM_139318.5 (MANE Select); coding-DNA position 1313, T replaced by C.
Protein change: p.Ile438Thr; replaces isoleucine 438 with threonine.
Molecular consequence: missense variant.
Genome position (GRCh38, 1-based): chr14:62,950,189, A>G on the plus strand (T>C on the coding strand, the complement: KCNH5 is on the minus strand). VCF-style: chr14-62950189-A-G. GRCh37 (hg19) VCF-style: chr14-63416907-A-G.
Other names: c.1313T>C, p.Ile438Thr (NM_172375.3); short protein forms I438T.
Identifiers: ClinVar variation 4531484 (VCV004531484.1).
Genomic context (GRCh38, chr14:62,950,189, plus strand): 5'-TTACAGCCAACCATCATCATAGCCACCGAAAACATCTTCTCCACATCTGTGGTAGGAGCT[A>G]TGTTTCCAAATCCTATGGTTGTAAGGCTTGTCATGGTAAAGTAGAGAGAGGACACGTACA-3'
Protein context (NP_647479.2, residues 428-448): TSLTTIGFGN[Ile438Thr]APTTDVEKMF